The following is an entry in ClinVar:

NM_020975.6(RET):c.134C>A (p.Ala45Glu)

Gene: RET (ret proto-oncogene; plus strand). Cytogenetic location: 10q11.21.
Variant type: single nucleotide variant.
Coding change: c.134C>A on transcript NM_020975.6 (MANE Select); coding-DNA position 134, C replaced by A.
Protein change: p.Ala45Glu; replaces alanine 45 with glutamic acid.
Molecular consequence: missense variant.
Genome position (GRCh38, 1-based): chr10:43,100,519, C>A. VCF-style: chr10-43100519-C-A. GRCh37 (hg19) VCF-style: chr10-43595967-C-A.
Other names: c.134C>A, p.Ala45Glu (NM_000323.2, NM_001406743.1, NM_001406744.1 and 34 more transcripts); short protein forms A45E.
Identifiers: ClinVar variation 486324 (VCV000486324.10), dbSNP rs763526874, ClinGen allele CA376770169.

ClinVar aggregate classification (germline): Uncertain significance. Review status: criteria provided, multiple submitters, no conflicts (2 of 4 stars). 3 submissions from 3 submitters: Uncertain significance (3). Last evaluated 2024-09-04.

Conditions:
Hereditary cancer-predisposing syndrome. Also called: Tumor predisposition; Hereditary Cancer Syndrome; Hereditary neoplastic syndrome; Neoplastic Syndromes, Hereditary. Identifiers: Orphanet 140162, MedGen C0027672, MeSH D009386, MONDO:0015356.
Multiple endocrine neoplasia, type 2 (MEN2). Identifiers: Orphanet 653, MedGen C4048306, MONDO:0019003. Disease mechanism: gain of function.

Allele frequency attached by ClinVar (database versions not stated): TOPMed 0.00001.
gnomAD v4.1: 2 of 1,613,688 alleles (0.00012%); highest among the groups gnomAD compares: Non-Finnish European, 0.00017%; no homozygotes.

Submissions (3):

GeneDx
Classification: Uncertain significance. Last evaluated: 2024-09-04. Review status: criteria provided, single submitter. Criteria: GeneDx Variant Classification Process June 2021. Collection method: clinical testing. Allele origin: germline. Affected: yes.
Comment: Not observed at significant frequency in large population cohorts (gnomAD); In silico analysis indicates that this missense variant does not alter protein structure/function; Has not been previously published as pathogenic or benign to our knowledge; This variant is associated with the following publications: (PMID: 14633923)

Ambry Genetics
Classification: Uncertain significance for Hereditary cancer-predisposing syndrome. Last evaluated: 2024-05-24. Review status: criteria provided, single submitter. Criteria: Ambry Variant Classification Scheme 2023. Collection method: clinical testing. Allele origin: germline.
Comment: The p.A45E variant (also known as c.134C>A), located in coding exon 2 of the RET gene, results from a C to A substitution at nucleotide position 134. The alanine at codon 45 is replaced by glutamic acid, an amino acid with dissimilar properties. This amino acid position is poorly conserved in available vertebrate species. In addition, this alteration is predicted to be tolerated by in silico analysis. Since supporting evidence is limited at this time, the clinical significance of this alteration remains unclear.

Labcorp Genetics (formerly Invitae), Labcorp
Classification: Uncertain significance for Multiple endocrine neoplasia, type 2. Last evaluated: 2019-01-29. Review status: criteria provided, single submitter. Criteria: Invitae Variant Classification Sherloc (09022015). Collection method: clinical testing. Allele origin: germline.
Comment: This sequence change replaces alanine with glutamic acid at codon 45 of the RET protein (p.Ala45Glu). The alanine residue is weakly conserved and there is a moderate physicochemical difference between alanine and glutamic acid. This variant is not present in population databases (ExAC no frequency). This variant has not been reported in the literature in individuals with RET-related conditions. ClinVar contains an entry for this variant (Variation ID: 486324). Algorithms developed to predict the effect of missense changes on protein structure and function (SIFT, PolyPhen-2, Align-GVGD) all suggest that this variant is likely to be tolerated, but these predictions have not been confirmed by published functional studies and their clinical significance is uncertain. In summary, the available evidence is currently insufficient to determine the role of this variant in disease. Therefore, it has been classified as a Variant of Uncertain Significance.